The following is an entry in ClinVar:

ClinVar aggregate classification (germline): Uncertain significance. Review status: criteria provided, multiple submitters, no conflicts (2 of 4 stars). 3 submissions from 3 submitters: Uncertain significance (3). Last evaluated 2025-10-19.

Conditions:
Multiple mitochondrial dysfunctions syndrome 3 (MMDS3). Identifiers: Orphanet 363424, MedGen C3809165, MONDO:0014132, OMIM 615330.
Hereditary spastic paraplegia 74. Also called: Spastic paraplegia 74, autosomal recessive. Identifiers: Orphanet 468661, MedGen C5568837, MONDO:0014644, OMIM 616451.

Allele frequency attached by ClinVar (database versions not stated): TOPMed 0.00005; gnomAD exomes 0.00006 and 0.00012; ESP Exome Variant Server 0.00015; gnomAD 0.00001 and 0.00007; ExAC 0.00013.

Submissions (3):

Labcorp Genetics (formerly Invitae), Labcorp
Classification: Uncertain significance for Multiple mitochondrial dysfunctions syndrome 3; Hereditary spastic paraplegia 74. Last evaluated: 2025-10-19. Review status: criteria provided, single submitter. Criteria: Invitae Variant Classification Sherloc (09022015). Collection method: clinical testing. Allele origin: germline.
Comment: This sequence change replaces arginine, which is basic and polar, with cysteine, which is neutral and slightly polar, at codon 276 of the IBA57 protein (p.Arg276Cys). This variant is present in population databases (rs143575106, gnomAD 0.08%). This variant has not been reported in the literature in individuals affected with IBA57-related conditions. ClinVar contains an entry for this variant (Variation ID: 433546). Invitae Evidence Modeling of protein sequence and biophysical properties (such as structural, functional, and spatial information, amino acid conservation, physicochemical variation, residue mobility, and thermodynamic stability) indicates that this missense variant is expected to disrupt IBA57 protein function with a positive predictive value of 80%. In summary, the available evidence is currently insufficient to determine the role of this variant in disease. Therefore, it has been classified as a Variant of Uncertain Significance.

Juno Genomics, Hangzhou Juno Genomics, Inc
Classification: Uncertain significance for Multiple mitochondrial dysfunctions syndrome 3. Review status: criteria provided, single submitter. Criteria: ACMG Guidelines, 2015. Collection method: clinical testing. Allele origin: germline. Affected: yes.
Comment: Absent from controls (or at extremely low frequency if recessive) in Genome Aggregation Database, Exome Sequencing Project, 1000 Genomes Project, or Exome Aggregation Consortium.;Multiple lines of computational evidence support a deleterious effect on the gene or gene product (conservation, evolutionary, splicing impact, etc).;For recessive disorders, detected in trans with a pathogenic variant.

Neuberg Centre For Genomic Medicine, NCGM
Classification: Uncertain significance for Multiple mitochondrial dysfunctions syndrome 3. Review status: criteria provided, single submitter. Criteria: ACMG Guidelines, 2015. Collection method: clinical testing. Allele origin: germline. Inheritance: Autosomal recessive inheritance. Affected: yes.
Comment: The missense variant p.R276C in IBA57 (NM_001010867.4) has been reported in a patient with suspected mitochondrial disease in heterozygous state along with another missense mutation (Forny P et al,2021). A clinical diagnosis of mitochondrial leukodystrophy was suspected in the reported patient and lactate and alanine levels were elevated but no muscle histology was not performed. The missense variant c.826C>T (p.R276C) in ? (NM_001010867.4) is observed in 24/30610 (0.0784%) alleles from individuals of South Asian background in the gnomAD dataset (Exome Aggregation Consortium et al., 2016), but was not seen in the homozygous state.There is a large physicochemical difference between arginine and cysteine, which is likely to impact secondary protein structure as these residues differ in polarity, charge, size and/or other properties. The p.R276C missense variant is predicted to be damaging by both SIFT and PolyPhen2. The arginine residue at codon 276 of IBA57 is conserved in all mammalian species. The nucleotide c.826 in IBA57 is predicted conserved by GERP++ and PhyloP across 100 vertebrates. For these reasons, this variant has been classified as Uncertain Significance.

NM_001010867.4(IBA57):c.826C>T (p.Arg276Cys)

Gene: IBA57 (iron-sulfur cluster assembly factor IBA57; plus strand). Cytogenetic location: 1q42.13.
Variant type: single nucleotide variant.
Coding change: c.826C>T on transcript NM_001010867.4 (MANE Select); coding-DNA position 826, C replaced by T.
Protein change: p.Arg276Cys; replaces arginine 276 with cysteine.
Molecular consequence: missense variant.
Genome position (GRCh38, 1-based): chr1:228,175,268, C>T. VCF-style: chr1-228175268-C-T. GRCh37 (hg19) VCF-style: chr1-228362969-C-T.
Other names: c.247C>T, p.Arg83Cys (NM_001310327.2); short protein forms R276C, R83C.
Identifiers: ClinVar variation 433546 (VCV000433546.7), dbSNP rs143575106, ClinGen allele CA1431264.